The following is an entry in ClinVar:

ClinVar aggregate classification (germline): Uncertain significance. Review status: criteria provided, multiple submitters, no conflicts (2 of 4 stars). 3 submissions from 3 submitters: Uncertain significance (3). Last evaluated 2025-01-13.

Conditions:
Inborn genetic diseases. Identifiers: MedGen C0950123, MeSH D030342.

Submissions (3):

Ambry Genetics
Classification: Uncertain significance for Inborn genetic diseases. Last evaluated: 2025-01-13. Review status: criteria provided, single submitter. Criteria: Ambry Variant Classification Scheme 2023. Collection method: clinical testing. Allele origin: germline.
Comment: The p.E1349D variant (also known as c.4047A>C), located in coding exon 1 of the SAMD9 gene, results from an A to C substitution at nucleotide position 4047. The glutamic acid at codon 1349 is replaced by aspartic acid, an amino acid with highly similar properties. This amino acid position is conserved. In addition, this alteration is predicted to be tolerated by in silico analysis. Based on the available evidence, the clinical significance of this variant remains unclear.

Labcorp Genetics (formerly Invitae), Labcorp
Classification: Uncertain significance. Last evaluated: 2024-05-08. Review status: criteria provided, single submitter. Criteria: Invitae Variant Classification Sherloc (09022015). Collection method: clinical testing. Allele origin: germline.
Comment: This sequence change replaces glutamic acid, which is acidic and polar, with aspartic acid, which is acidic and polar, at codon 1349 of the SAMD9 protein (p.Glu1349Asp). This variant is not present in population databases (gnomAD no frequency). This variant has not been reported in the literature in individuals affected with SAMD9-related conditions. Advanced modeling of protein sequence and biophysical properties (such as structural, functional, and spatial information, amino acid conservation, physicochemical variation, residue mobility, and thermodynamic stability) has been performed at Invitae for this missense variant, however the output from this modeling did not meet the statistical confidence thresholds required to predict the impact of this variant on SAMD9 protein function. In summary, the available evidence is currently insufficient to determine the role of this variant in disease. Therefore, it has been classified as a Variant of Uncertain Significance.

GeneDx
Classification: Uncertain significance. Last evaluated: 2024-01-31. Review status: criteria provided, single submitter. Criteria: GeneDx Variant Classification Process June 2021. Collection method: clinical testing. Allele origin: germline. Affected: yes.
Comment: Not observed at significant frequency in large population cohorts (gnomAD); In silico analysis supports that this missense variant does not alter protein structure/function; Has not been previously published as pathogenic or benign to our knowledge

NM_017654.4(SAMD9):c.4047A>C (p.Glu1349Asp)

Gene: SAMD9 (sterile alpha motif domain containing 9; minus strand). Cytogenetic location: 7q21.2.
Variant type: single nucleotide variant.
Coding change: c.4047A>C on transcript NM_017654.4 (MANE Select); coding-DNA position 4047, A replaced by C.
Protein change: p.Glu1349Asp; replaces glutamic acid 1349 with aspartic acid.
Molecular consequence: missense variant.
Genome position (GRCh38, 1-based): chr7:93,102,051, T>G on the plus strand (A>C on the coding strand, the complement: SAMD9 is on the minus strand). VCF-style: chr7-93102051-T-G. GRCh37 (hg19) VCF-style: chr7-92731364-T-G.
Other names: c.4047A>C, p.Glu1349Asp (NM_001193307.2); short protein forms E1349D.
Identifiers: ClinVar variation 3316116 (VCV003316116.5).